The following is an entry in ClinVar:

NM_002458.3(MUC5B):c.5620G>A (p.Val1874Met)

Genes: MUC5B (mucin 5B, oligomeric mucus/gel-forming; plus strand), MUC5B-AS1 (MUC5B antisense RNA 1; minus strand). Cytogenetic location: 11p15.5.
Variant type: single nucleotide variant.
Coding change: c.5620G>A on transcript NM_002458.3 (MANE Select); coding-DNA position 5620, G replaced by A.
Protein change: p.Val1874Met; replaces valine 1874 with methionine.
Molecular consequence: missense variant. On other transcripts: non-coding transcript variant (1).
Genome position (GRCh38, 1-based): chr11:1,242,500, G>A. VCF-style: chr11-1242500-G-A. GRCh37 (hg19) VCF-style: chr11-1263730-G-A.
Other names: short protein forms V1874M.
Identifiers: ClinVar variation 5038911 (VCV005038911.1).
Genomic context (GRCh38, chr11:1,242,500, plus strand): 5'-GGGCTGACCTGCAAGAACGAAGACCAGACAGGCAGGTTCAACATGTGCTTCAACTACAAC[G>A]TGCGTGTGCTTTGCTGTGACGACTACAGCCACTGCCCCAGTACCCCAGCCACCAGCTCCA-3'
Protein context (NP_002449.2, residues 1864-1884): GRFNMCFNYN[Val1874Met]RVLCCDDYSH

ClinVar aggregate classification (germline): Likely benign (1 of 4 stars; one submission).

gnomAD v4.1: 616 of 1,613,704 alleles (0.038%); highest among the groups gnomAD compares: South Asian, 0.59%; 5 homozygotes.

Submission:

CeGaT Center for Human Genetics Tuebingen
Classification: Likely benign. Last evaluated: 2026-07-01. Review status: criteria provided, single submitter. Criteria: CeGaT Center For Human Genetics Tuebingen Variant Classification Criteria Version 2. Collection method: clinical testing. Allele origin: germline. Affected: yes. Observed: 1 variant allele.
Comment: MUC5B: BP4